The following is an entry in ClinVar:

NM_033453.4(ITPA):c.206T>C (p.Leu69Pro)

Gene: ITPA (inosine triphosphatase; plus strand). Cytogenetic location: 20p13.
Variant type: single nucleotide variant.
Coding change: c.206T>C on transcript NM_033453.4 (MANE Select); coding-DNA position 206, T replaced by C.
Protein change: p.Leu69Pro; replaces leucine 69 with proline.
Molecular consequence: missense variant. On other transcripts: 5 prime UTR variant (4), non-coding transcript variant (2).
Genome position (GRCh38, 1-based): chr20:3,214,001, T>C. VCF-style: chr20-3214001-T-C. GRCh37 (hg19) VCF-style: chr20-3194647-T-C.
Other names: c.83T>C, p.Leu28Pro (NM_001267623.2); c.-132T>C (NM_001324236.2, NM_001324237.2, NM_001324238.2 and 1 more transcripts); c.206T>C, p.Leu69Pro (NM_001324240.2); c.155T>C, p.Leu52Pro (NM_181493.4); short protein forms L52P, L69P, L28P.
Identifiers: ClinVar variation 840766 (VCV000840766.10), dbSNP rs2067232322, ClinGen allele CA408077533.

ClinVar aggregate classification (germline): Uncertain significance (1 of 4 stars; one submission).

Conditions:
Inosine triphosphatase deficiency. Also called: INOSINE TRIPHOSPHATE PYROPHOSPHOHYDROLASE DEFICIENCY. Identifiers: MedGen C0342800, MONDO:0013461, OMIM 613850.

Submission:

Labcorp Genetics (formerly Invitae), Labcorp
Classification: Uncertain significance for Inosine triphosphatase deficiency. Last evaluated: 2020-03-05. Review status: criteria provided, single submitter. Criteria: Invitae Variant Classification Sherloc (09022015). Collection method: clinical testing. Allele origin: germline.
Comment: In summary, the available evidence is currently insufficient to determine the role of this variant in disease. Therefore, it has been classified as a Variant of Uncertain Significance. Algorithms developed to predict the effect of missense changes on protein structure and function (SIFT, PolyPhen-2, Align-GVGD) all suggest that this variant is likely to be disruptive, but these predictions have not been confirmed by published functional studies and their clinical significance is uncertain. This variant has not been reported in the literature in individuals with ITPA-related conditions. This variant is not present in population databases (ExAC no frequency). This sequence change replaces leucine with proline at codon 69 of the ITPA protein (p.Leu69Pro). The leucine residue is moderately conserved and there is a moderate physicochemical difference between leucine and proline.